The following is an entry in ClinVar:

ClinVar aggregate classification (germline): Likely pathogenic (1 of 4 stars; one submission).

Conditions:
Primary ciliary dyskinesia. Also called: Ciliary dyskinesia. Identifiers: Orphanet 244, MedGen C0008780, MONDO:0016575, HP:0012265.

Submission:

Labcorp Genetics (formerly Invitae), Labcorp
Classification: Likely pathogenic for Primary ciliary dyskinesia. Last evaluated: 2025-09-09. Review status: criteria provided, single submitter. Criteria: Invitae Variant Classification Sherloc (09022015). Collection method: clinical testing. Allele origin: germline.
Comment: This sequence change replaces glycine, which is neutral and non-polar, with glutamic acid, which is acidic and polar, at codon 267 of the RPGR protein (p.Gly267Glu). This variant is not present in population databases (gnomAD no frequency). This missense change has been observed in individual(s) with retinitis pigmentosa (PMID: 16969763). Invitae Evidence Modeling of protein sequence and biophysical properties (such as structural, functional, and spatial information, amino acid conservation, physicochemical variation, residue mobility, and thermodynamic stability) indicates that this missense variant is expected to disrupt RPGR protein function with a positive predictive value of 95%. This variant disrupts the p.Gly267 amino acid residue in RPGR. Other variant(s) that disrupt this residue have been determined to be pathogenic (internal data). This suggests that this residue is clinically significant, and that variants that disrupt this residue are likely to be disease-causing. In summary, the currently available evidence indicates that the variant is pathogenic, but additional data are needed to prove that conclusively. Therefore, this variant has been classified as Likely Pathogenic.

Literature cited by the submitters: PubMed 16969763.

NM_001034853.2(RPGR):c.800G>A (p.Gly267Glu)

Gene: RPGR (retinitis pigmentosa GTPase regulator; minus strand). Cytogenetic location: Xp11.4.
Variant type: single nucleotide variant.
Coding change: c.800G>A on transcript NM_001034853.2 (MANE Select); coding-DNA position 800, G replaced by A.
Protein change: p.Gly267Glu; replaces glycine 267 with glutamic acid.
Molecular consequence: missense variant. On other transcripts: non-coding transcript variant (5).
Genome position (GRCh38, 1-based): chrX:38,304,769, C>T on the plus strand (G>A on the coding strand, the complement: RPGR is on the minus strand). VCF-style: chrX-38304769-C-T. GRCh37 (hg19) VCF-style: chrX-38164022-C-T.
Other names: c.800G>A, p.Gly267Glu (NM_000328.3, NM_001367246.1, NM_001367247.1 and 1 more transcripts); c.797G>A, p.Gly266Glu (NM_001367245.1, NM_001367249.1, NM_001367250.1); c.830G>A, p.Gly277Glu (NM_001367248.1); short protein forms G266E, G267E, G277E.
Identifiers: ClinVar variation 4710725 (VCV004710725.1).